The following is an entry in ClinVar:

NM_000359.3(TGM1):c.1721dup (p.Ser575fs)

Gene: TGM1 (transglutaminase 1; minus strand). Cytogenetic location: 14q12.
Variant type: Duplication.
Coding change: c.1721dup on transcript NM_000359.3 (MANE Select); coding-DNA position 1721, one base duplicated (G; older notation c.1721dupG).
Protein change: p.Ser575fs; shifts the reading frame from serine 575.
Molecular consequence: frameshift variant.
Genome position (GRCh38, 1-based): chr14:24,255,178, C duplicated on the plus strand (G on the coding strand, the reverse complement: TGM1 is on the minus strand); the first of 4 consecutive C bases (chr14:24,255,178-24,255,181); duplicating any one gives the same sequence. VCF-style (leftmost placement, unchanged base first): chr14-24255177-G-GC. GRCh37 (hg19) VCF-style: chr14-24724383-G-GC.
Other names: c.1721dup (NM_000359.2); short protein forms S575fs.
Identifiers: ClinVar variation 1391349 (VCV001391349.7), dbSNP rs2139019590, ClinGen allele CA2573149801.

ClinVar aggregate classification (germline): Pathogenic/Likely pathogenic. Review status: criteria provided, multiple submitters, no conflicts (2 of 4 stars). 2 submissions from 2 submitters: Pathogenic (1); Likely pathogenic (1). Last evaluated 2024-12-27.

Conditions:
Autosomal recessive congenital ichthyosis 1 (LI1). Also called: ICHTHYOSIS, CONGENITAL, AUTOSOMAL RECESSIVE 1, WITH BATHING SUIT DISTRIBUTION; COLLODION FETUS; DESQUAMATION OF NEWBORN; ICHTHYOSIS CONGENITA; ICHTHYOSIS CONGENITA II; LAMELLAR EXFOLIATION OF NEWBORN. Identifiers: MedGen C4551630, MONDO:0009441, OMIM 242300.

Submissions (2):

Natera, Inc.
Classification: Likely pathogenic for Autosomal recessive congenital ichthyosis type 1. Last evaluated: 2024-12-27. Review status: criteria provided, single submitter. Criteria: Natera Variant Classification Schema (03/2026). Collection method: clinical testing. Allele origin: germline.
Comment: The c.1721dup variant in TGM1 is a frameshift variant predicted to shift the reading frame beginning at codon 575 and leads to a stop codon 134 codons downstream. This variant is expected to result in nonsense mediated decay, truncation, or a dysfunctional protein product. This variant is rare in the general population with a frequency below the threshold expected for the associated phenotype(s). Given the available evidence, this variant is classified as Likely Pathogenic.

Labcorp Genetics (formerly Invitae), Labcorp
Classification: Pathogenic. Last evaluated: 2021-07-13. Review status: criteria provided, single submitter. Criteria: Invitae Variant Classification Sherloc (09022015). Collection method: clinical testing. Allele origin: germline.
Comment: This variant has not been reported in the literature in individuals affected with TGM1-related conditions. This sequence change creates a premature translational stop signal (p.Ser575Leufs*134) in the TGM1 gene. It is expected to result in an absent or disrupted protein product. Loss-of-function variants in TGM1 are known to be pathogenic (PMID: 18948357, 19241467). This variant is not present in population databases (ExAC no frequency). For these reasons, this variant has been classified as Pathogenic.

Literature cited by the submitters: PubMed 18948357 (cited by Labcorp Genetics (formerly Invitae), Labcorp); PubMed 19241467 (cited by Labcorp Genetics (formerly Invitae), Labcorp).